The following is an entry in ClinVar:

ClinVar aggregate classification (germline): Uncertain significance (1 of 4 stars; one submission).

Submission:

Labcorp Genetics (formerly Invitae), Labcorp
Classification: Uncertain significance. Last evaluated: 2024-12-04. Review status: criteria provided, single submitter. Criteria: Invitae Variant Classification Sherloc (09022015). Collection method: clinical testing. Allele origin: germline.
Comment: This sequence change replaces lysine, which is basic and polar, with glutamic acid, which is acidic and polar, at codon 722 of the MKL1 protein (p.Lys722Glu). This variant is not present in population databases (gnomAD no frequency). This variant has not been reported in the literature in individuals affected with MKL1-related conditions. An algorithm developed to predict the effect of missense changes on protein structure and function (PolyPhen-2) suggests that this variant is likely to be disruptive. In summary, the available evidence is currently insufficient to determine the role of this variant in disease. Therefore, it has been classified as a Variant of Uncertain Significance.

NM_020831.6(MRTFA):c.2464A>G (p.Lys822Glu)

Gene: MRTFA (myocardin related transcription factor A; minus strand). Cytogenetic location: 22q13.1.
Variant type: single nucleotide variant.
Coding change: c.2464A>G on transcript NM_020831.6 (MANE Select); coding-DNA position 2464, A replaced by G.
Protein change: p.Lys822Glu; replaces lysine 822 with glutamic acid.
Molecular consequence: missense variant.
Genome position (GRCh38, 1-based): chr22:40,417,394, T>C on the plus strand (A>G on the coding strand, the complement: MRTFA is on the minus strand). VCF-style: chr22-40417394-T-C. GRCh37 (hg19) VCF-style: chr22-40813398-T-C.
Other names: c.2164A>G, p.Lys722Glu (NM_001282660.2); c.2314A>G, p.Lys772Glu (NM_001282661.3); c.2464A>G, p.Lys822Glu (NM_001282662.3); c.2269A>G, p.Lys757Glu (NM_001318139.2); short protein forms K722E, K772E, K757E, K822E.
Identifiers: ClinVar variation 3660603 (VCV003660603.2).